The following is an entry in ClinVar:

ClinVar aggregate classification (germline): Uncertain significance. Review status: criteria provided, multiple submitters, no conflicts (2 of 4 stars). 2 submissions from 2 submitters: Uncertain significance (2). Last evaluated 2025-06-07.

gnomAD v4.1: 25 of 1,610,454 alleles (0.0016%); highest among the groups gnomAD compares: African/African-American, 0.004%; no homozygotes.

Submissions (2):

Ambry Genetics
Classification: Uncertain significance. Last evaluated: 2025-06-07. Review status: criteria provided, single submitter. Criteria: Ambry Variant Classification Scheme 2023. Collection method: clinical testing. Allele origin: germline.

Labcorp Genetics (formerly Invitae), Labcorp
Classification: Uncertain significance. Last evaluated: 2025-03-15. Review status: criteria provided, single submitter. Criteria: Invitae Variant Classification Sherloc (09022015). Collection method: clinical testing. Allele origin: germline.
Comment: This sequence change replaces glycine, which is neutral and non-polar, with glutamic acid, which is acidic and polar, at codon 207 of the TNFRSF6B protein (p.Gly207Glu). This variant is present in population databases (no rsID available, gnomAD 0.005%). This variant has not been reported in the literature in individuals affected with TNFRSF6B-related conditions. An algorithm developed to predict the effect of missense changes on protein structure and function outputs the following: PolyPhen-2: "Benign". The glutamic acid amino acid residue is found in multiple mammalian species, which suggests that this missense change does not adversely affect protein function. In summary, the available evidence is currently insufficient to determine the role of this variant in disease. Therefore, it has been classified as a Variant of Uncertain Significance.

NM_003823.4(TNFRSF6B):c.620G>A (p.Gly207Glu)

Genes: RTEL1-TNFRSF6B (RTEL1-TNFRSF6B readthrough (NMD candidate); plus strand), TNFRSF6B (TNF receptor superfamily member 6b; plus strand). Cytogenetic location: 20q13.33.
Variant type: single nucleotide variant.
Coding change: c.620G>A on transcript NM_003823.4 (MANE Select); coding-DNA position 620, G replaced by A.
Protein change: p.Gly207Glu; replaces glycine 207 with glutamic acid.
Molecular consequence: missense variant. On other transcripts: non-coding transcript variant (1).
Genome position (GRCh38, 1-based): chr20:63,698,280, G>A. VCF-style: chr20-63698280-G-A. GRCh37 (hg19) VCF-style: chr20-62329633-G-A.
Other names: short protein forms G207E.
Identifiers: ClinVar variation 3971410 (VCV003971410.2).
Genomic context (GRCh38, chr20:63,698,280, plus strand): 5'-AGCCCCCGCCAGTGTGTGTGGGTGAAATGATCGGACCGCTGCCTCCCCACCCCACTGCAG[G>A]AGCTGAGGAGTGTGAGCGTGCCGTCATCGACTTTGTGGCTTTCCAGGACATCTCCATCAA-3'
Protein context (NP_003814.1, residues 197-217): TGFPLSTRVP[Gly207Glu]AEECERAVID